The following is an entry in ClinVar:

ClinVar aggregate classification (germline): Uncertain significance (1 of 4 stars; one submission).

Conditions:
Hereditary cancer-predisposing syndrome. Also called: Hereditary neoplastic syndrome; Neoplastic Syndromes, Hereditary; Tumor predisposition; Hereditary Cancer Syndrome. Identifiers: Orphanet 140162, MedGen C0027672, MeSH D009386, MONDO:0015356.

Submission:

Ambry Genetics
Classification: Uncertain significance for Hereditary cancer-predisposing syndrome. Last evaluated: 2025-09-10. Review status: criteria provided, single submitter. Criteria: Ambry Variant Classification Scheme 2023. Collection method: clinical testing. Allele origin: germline.
Comment: The p.H51R variant (also known as c.152A>G), located in coding exon 1 of the PTCH1 gene, results from an A to G substitution at nucleotide position 152. The histidine at codon 51 is replaced by arginine, an amino acid with highly similar properties. This amino acid position is conserved. In addition, this alteration is predicted to be tolerated by in silico analysis. Based on the available evidence, the clinical significance of this variant remains unclear.

NM_000264.5(PTCH1):c.152A>G (p.His51Arg)

Genes: PTCH1 (patched 1; minus strand), LOC130002133 (ATAC-STARR-seq lymphoblastoid silent region 20071; plus strand). Cytogenetic location: 9q22.32.
Variant type: single nucleotide variant.
Coding change: c.152A>G on transcript NM_000264.5 (MANE Select); coding-DNA position 152, A replaced by G.
Protein change: p.His51Arg; replaces histidine 51 with arginine.
Molecular consequence: missense variant. On other transcripts: non-coding transcript variant (1), intron variant (3).
Genome position (GRCh38, 1-based): chr9:95,508,210, T>C on the plus strand (A>G on the coding strand, the complement: PTCH1 is on the minus strand). VCF-style: chr9-95508210-T-C. GRCh37 (hg19) VCF-style: chr9-98270492-T-C.
Other names: c.152A>G, p.His51Arg (NM_001354918.2); c.199-1611A>G (NM_001083603.3); c.4-1611A>G (NM_001083602.3, NM_001354919.2); short protein forms H51R.
Identifiers: ClinVar variation 4146910 (VCV004146910.1).
Genomic context (GRCh38, chr9:95,508,210, plus strand): 5'-CTGAAATGCACCTTGGAAATCTGCTCCAGAGCGAAGGCGGCGTCGCAGTAGCTGGGCCGG[T>C]GCAGATAGTCCCGGTCCGGCGCGGCAGCACGGCGCAGCCCCCCCGTCCGTCTGCGCCTCC-3'
Protein context (NP_000255.2, residues 41-61): RAAAPDRDYL[His51Arg]RPSYCDAAFA